The following is an entry in ClinVar:

ClinVar aggregate classification (germline): Benign/Likely benign. Review status: criteria provided, multiple submitters, no conflicts (2 of 4 stars). 3 submissions from 3 submitters: Benign (1); Likely benign (2). Last evaluated 2025-09-09.

Conditions:
BDP1-related disorder. Also called: BDP1-related condition.

Allele frequency attached by ClinVar (database versions not stated): gnomAD 0.00019 and 0.00025; gnomAD exomes 0.00021 and 0.00046; TOPMed 0.00028; ExAC 0.00053.

Submissions (3):

PreventionGenetics, part of Exact Sciences
Classification: Likely benign for BDP1-related condition. Last evaluated: 2025-09-09. Review status: criteria provided, single submitter. Criteria: ACMG Guidelines, 2015. Collection method: clinical testing. Allele origin: germline.
Comment: This variant is classified as likely benign based on ACMG/AMP sequence variant interpretation guidelines (Richards et al. 2015 PMID: 25741868, with internal and published modifications).

Blueprint Genetics
Classification: Likely benign. Last evaluated: 2024-07-19. Review status: criteria provided, single submitter. Criteria: ACMG Guidelines, 2015. Collection method: clinical testing. Allele origin: germline.

GeneDx
Classification: Benign. Last evaluated: 2020-10-13. Review status: criteria provided, single submitter. Criteria: GeneDx Variant Classification Process June 2021. Collection method: clinical testing. Allele origin: germline. Affected: yes.

NM_018429.3(BDP1):c.1203A>G (p.Lys401=)

Gene: BDP1 (BDP1 general transcription factor IIIB subunit; plus strand). Cytogenetic location: 5q13.2.
Variant type: single nucleotide variant.
Coding change: c.1203A>G on transcript NM_018429.3 (MANE Select); coding-DNA position 1203, A replaced by G.
Protein change: p.Lys401=; no amino-acid change (lysine 401 retained).
Molecular consequence: synonymous variant.
Genome position (GRCh38, 1-based): chr5:71,486,617, A>G. VCF-style: chr5-71486617-A-G. GRCh37 (hg19) VCF-style: chr5-70782444-A-G.
Identifiers: ClinVar variation 1249334 (VCV001249334.4), dbSNP rs766789518, ClinGen allele CA3295933.